The following is an entry in ClinVar:

ClinVar aggregate classification (germline): Likely pathogenic. Review status: criteria provided, multiple submitters, no conflicts (2 of 4 stars). 5 submissions from 4 submitters: Likely pathogenic (5). Last evaluated 2023-10-12.

Conditions:
Retinitis pigmentosa 39 (RP39). Identifiers: Orphanet 791, MedGen C3151138, MONDO:0013436, OMIM 613809.
Usher syndrome type 2A. Also called: RETINAL DISEASE IN USHER SYNDROME TYPE IIA, MODIFIER OF; USHER SYNDROME, TYPE IIA. Identifiers: Orphanet 231178, Orphanet 886, MedGen C1848634, MONDO:0010169, OMIM 276901.

Submissions (5):

Baylor Genetics
Classification: Likely pathogenic for Retinitis pigmentosa 39. Last evaluated: 2023-10-12. Review status: criteria provided, single submitter. Criteria: ACMG Guidelines, 2015. Collection method: clinical testing. Allele origin: unknown.

Genome-Nilou Lab
Classification: Likely pathogenic for Retinitis pigmentosa 39. Last evaluated: 2023-04-11. Review status: criteria provided, single submitter. Criteria: ACMG Guidelines, 2015. Collection method: clinical testing. Allele origin: germline. Affected: no.

Genome-Nilou Lab
Classification: Likely pathogenic for Usher syndrome type 2A. Last evaluated: 2023-04-11. Review status: criteria provided, single submitter. Criteria: ACMG Guidelines, 2015. Collection method: clinical testing. Allele origin: germline. Affected: no.

Fulgent Genetics
Classification: Likely pathogenic for Usher syndrome type 2A; Retinitis pigmentosa 39. Last evaluated: 2021-07-28. Review status: criteria provided, single submitter. Criteria: ACMG Guidelines, 2015. Collection method: clinical testing. Allele origin: unknown.

Labcorp Genetics (formerly Invitae), Labcorp
Classification: Likely pathogenic. Last evaluated: 2020-11-14. Review status: criteria provided, single submitter. Criteria: Invitae Variant Classification Sherloc (09022015). Collection method: clinical testing. Allele origin: germline.
Comment: This sequence change affects a donor splice site in intron 36 of the USH2A gene. It is expected to disrupt RNA splicing. Variants that disrupt the donor or acceptor splice site typically lead to a loss of protein function (PMID: 16199547), and loss-of-function variants in USH2A are known to be pathogenic (PMID: 10729113, 10909849, 20507924, 25649381). This variant is not present in population databases (ExAC no frequency). This variant has not been reported in the literature in individuals with USH2A-related conditions. Algorithms developed to predict the effect of sequence changes on RNA splicing suggest that this variant may disrupt the consensus splice site, but this prediction has not been confirmed by published transcriptional studies. In summary, the currently available evidence indicates that the variant is pathogenic, but additional data are needed to prove that conclusively. Therefore, this variant has been classified as Likely Pathogenic.

Literature cited by the submitters: PubMed 16199547 (cited by Labcorp Genetics (formerly Invitae), Labcorp); PubMed 10729113 (cited by Labcorp Genetics (formerly Invitae), Labcorp); PubMed 10909849 (cited by Labcorp Genetics (formerly Invitae), Labcorp); PubMed 20507924 (cited by Labcorp Genetics (formerly Invitae), Labcorp); PubMed 25649381 (cited by Labcorp Genetics (formerly Invitae), Labcorp).

NM_206933.4(USH2A):c.6957+1G>C

Gene: USH2A (usherin; minus strand). Cytogenetic location: 1q41.
Variant type: single nucleotide variant.
Coding change: c.6957+1G>C on transcript NM_206933.4 (MANE Select); the canonical splice donor site of the intron after coding-DNA position 6957, G replaced by C.
Molecular consequence: splice donor variant.
Genome position (GRCh38, 1-based): chr1:215,970,624, C>G on the plus strand (G>C on the coding strand, the complement: USH2A is on the minus strand). VCF-style: chr1-215970624-C-G. GRCh37 (hg19) VCF-style: chr1-216143966-C-G.
Identifiers: ClinVar variation 1474379 (VCV001474379.11), dbSNP rs2102458321, ClinGen allele CA344853824.